The following is an entry in ClinVar:

NM_022124.6(CDH23):c.4323_4324insCC (p.Lys1442fs)

Gene: CDH23 (cadherin related 23; plus strand). Cytogenetic location: 10q22.1.
Variant type: Insertion.
Coding change: c.4323_4324insCC on transcript NM_022124.6 (MANE Select); coding-DNA positions 4323 to 4324, CC inserted.
Protein change: p.Lys1442fs; shifts the reading frame from lysine 1442.
Molecular consequence: frameshift variant.
Genome position: GRCh38 VCF-style: chr10-71738610-T-TCC. GRCh37 (hg19) VCF-style: chr10-73498367-T-TCC.
Other names: short protein forms K1442fs.
Identifiers: ClinVar variation 3601338 (VCV003601338.1).

ClinVar aggregate classification (germline): Likely pathogenic (1 of 4 stars; one submission).

Conditions:
Autosomal recessive nonsyndromic hearing loss 12. Also called: DEAFNESS, AUTOSOMAL RECESSIVE 12. Identifiers: Orphanet 90636, MedGen C1832394, MONDO:0011067, OMIM 601386.

Submission:

Institute of Rare Diseases, West China Hospital, Sichuan University
Classification: Likely pathogenic for Autosomal recessive nonsyndromic hearing loss 12. Last evaluated: 2025-01-09. Review status: criteria provided, single submitter. Criteria: ClinGen HL ACMG Specifications v1. Collection method: research. Allele origin: germline. Affected: yes.
Comment: PVS1;PM2_Supporting